The following is an entry in ClinVar:

NM_014714.4(IFT140):c.1124C>T (p.Thr375Ile)

Genes: IFT140 (intraflagellar transport 140; minus strand), LOC105371046 (uncharacterized LOC105371046; plus strand). Cytogenetic location: 16p13.3.
Variant type: single nucleotide variant.
Coding change: c.1124C>T on transcript NM_014714.4 (MANE Select); coding-DNA position 1124, C replaced by T.
Protein change: p.Thr375Ile; replaces threonine 375 with isoleucine.
Molecular consequence: missense variant.
Genome position (GRCh38, 1-based): chr16:1,586,161, G>A on the plus strand (C>T on the coding strand, the complement: IFT140 is on the minus strand). VCF-style: chr16-1586161-G-A. GRCh37 (hg19) VCF-style: chr16-1636162-G-A.
Other names: short protein forms T375I.
Identifiers: ClinVar variation 1505407 (VCV001505407.5), dbSNP rs777159234, ClinGen allele CA7814432.

ClinVar aggregate classification (germline): Uncertain significance (1 of 4 stars; one submission).

Conditions:
Saldino-Mainzer syndrome (SRTD9). Also called: Renal dysplasia, retinal pigmentary dystrophy, cerebellar ataxia and skeletal dysplasia; CONORENAL SYNDROME; SHORT-RIB THORACIC DYSPLASIA 9 WITHOUT POLYDACTYLY; short-rib thoracic dysplasia 9 with or without polydactyly. Identifiers: Orphanet 140969, MedGen C1849437, MONDO:0009964, OMIM 266920.

Allele frequency attached by ClinVar (database versions not stated): TOPMed below 0.00001; gnomAD exomes 0.00001; ExAC 0.00002.
gnomAD v4.1: 2 of 1,613,834 alleles (0.00012%); highest among the groups gnomAD compares: Admixed American, 0.0017%; no homozygotes.

Submission:

Labcorp Genetics (formerly Invitae), Labcorp
Classification: Uncertain significance for Saldino-Mainzer syndrome. Last evaluated: 2022-07-06. Review status: criteria provided, single submitter. Criteria: Invitae Variant Classification Sherloc (09022015). Collection method: clinical testing. Allele origin: germline.
Comment: This variant is present in population databases (rs777159234, gnomAD 0.003%). This sequence change replaces threonine, which is neutral and polar, with isoleucine, which is neutral and non-polar, at codon 375 of the IFT140 protein (p.Thr375Ile). This variant has not been reported in the literature in individuals affected with IFT140-related conditions. In summary, the available evidence is currently insufficient to determine the role of this variant in disease. Therefore, it has been classified as a Variant of Uncertain Significance. Algorithms developed to predict the effect of missense changes on protein structure and function are either unavailable or do not agree on the potential impact of this missense change (SIFT: "Deleterious"; PolyPhen-2: "Benign"; Align-GVGD: "Class C0"). ClinVar contains an entry for this variant (Variation ID: 1505407).